The following is an entry in ClinVar:

NM_001844.5(COL2A1):c.261dup (p.Ile88fs)

Gene: COL2A1 (collagen type II alpha 1 chain; minus strand). Cytogenetic location: 12q13.11.
Variant type: Duplication.
Coding change: c.261dup on transcript NM_001844.5 (MANE Select); coding-DNA position 261, one base duplicated (C; older notation c.261dupC).
Protein change: p.Ile88fs; shifts the reading frame from isoleucine 88.
Molecular consequence: frameshift variant. On other transcripts: intron variant (1).
Genome position (GRCh38, 1-based): chr12:47,999,950, G duplicated on the plus strand (C on the coding strand, the reverse complement: COL2A1 is on the minus strand); the first of 4 consecutive G bases (chr12:47,999,950-47,999,953); duplicating any one gives the same sequence. VCF-style (leftmost placement, unchanged base first): chr12-47999949-T-TG. GRCh37 (hg19) VCF-style: chr12-48393732-T-TG.
Other names: c.86-1522dup (NM_033150.3); short protein forms I88fs.
Identifiers: ClinVar variation 817080 (VCV000817080.1), dbSNP rs1592238899, ClinGen allele CA915948797.
Genomic context (GRCh38, chr12:47,999,949, plus strand): 5'-ATGTTGAACAGGAAATAAATAAATTACAACCACTGGCAGTGGCGAGGTCAGTTGGGCAGA[T>TG]GGGGCAGCACTCTCCGAAGGGGATCTCAGGGCTGAGGCAGTCTTTCACGTCTTCACAGAT-3'

ClinVar aggregate classification (germline): Pathogenic (1 of 4 stars; one submission).

Submission:

GeneDx
Classification: Pathogenic. Last evaluated: 2018-04-24. Review status: criteria provided, single submitter. Criteria: GeneDx Variant Classification (06012015). Collection method: clinical testing. Allele origin: germline. Affected: yes.
Comment: Although the c.261dupC pathogenic variant in the COL2A1 gene has not been reported to our knowledge, this variant causes a shift in reading frame starting at codon Isoleucine 88, changing it to a Histidine, and creating a premature stop codon at position 5 of the new reading frame, denoted p.Ile88HisfsX5. This pathogenic variant is expected to result in either an abnormal, truncated protein product or loss of protein from this allele through nonsense-mediated mRNA decay. Other frameshift variants in the COL2A1 gene have been reported in Human Gene Mutation Database in association with Stickler syndrome (Stenson et al., 2014). Furthermore, the c.261dupC variant has not been observed in large population cohorts (Lek et al., 2016).